The following is an entry in ClinVar:

ClinVar aggregate classification (germline): Uncertain significance. Review status: criteria provided, multiple submitters, no conflicts (2 of 4 stars). 3 submissions from 3 submitters: Uncertain significance (3). Last evaluated 2025-01-26.

Allele frequency attached by ClinVar (database versions not stated): gnomAD exomes 0.00002; TOPMed 0.00002; gnomAD 0.00003; ExAC 0.00004.
gnomAD v4.1: 13 of 1,613,668 alleles (0.00081%); highest among the groups gnomAD compares: Admixed American, 0.015%; no homozygotes.

Submissions (3):

Ambry Genetics
Classification: Uncertain significance. Last evaluated: 2025-01-26. Review status: criteria provided, single submitter. Criteria: Ambry Variant Classification Scheme 2023. Collection method: clinical testing. Allele origin: germline.
Comment: The p.R124H variant (also known as c.371G>A), located in coding exon 4 of the SRP72 gene, results from a G to A substitution at nucleotide position 371. The arginine at codon 124 is replaced by histidine, an amino acid with highly similar properties. This amino acid position is conserved. In addition, the in silico prediction for this alteration is inconclusive. Based on the available evidence, the clinical significance of this variant remains unclear.

Labcorp Genetics (formerly Invitae), Labcorp
Classification: Uncertain significance. Last evaluated: 2024-11-04. Review status: criteria provided, single submitter. Criteria: Invitae Variant Classification Sherloc (09022015). Collection method: clinical testing. Allele origin: germline.
Comment: This sequence change replaces arginine, which is basic and polar, with histidine, which is basic and polar, at codon 124 of the SRP72 protein (p.Arg124His). This variant is present in population databases (rs745506634, gnomAD 0.01%). This variant has not been reported in the literature in individuals affected with SRP72-related conditions. ClinVar contains an entry for this variant (Variation ID: 2415870). Invitae Evidence Modeling of protein sequence and biophysical properties (such as structural, functional, and spatial information, amino acid conservation, physicochemical variation, residue mobility, and thermodynamic stability) indicates that this missense variant is not expected to disrupt SRP72 protein function with a negative predictive value of 80%. In summary, the available evidence is currently insufficient to determine the role of this variant in disease. Therefore, it has been classified as a Variant of Uncertain Significance.

GeneDx
Classification: Uncertain significance. Last evaluated: 2023-11-29. Review status: criteria provided, single submitter. Criteria: GeneDx Variant Classification Process June 2021. Collection method: clinical testing. Allele origin: germline. Affected: yes.
Comment: In silico analysis supports that this missense variant has a deleterious effect on protein structure/function; Has not been previously published as pathogenic or benign to our knowledge; This variant is associated with the following publications: (PMID: 28369529, 27899666)

NM_006947.4(SRP72):c.371G>A (p.Arg124His)

Gene: SRP72 (signal recognition particle 72; plus strand). Cytogenetic location: 4q12.
Variant type: single nucleotide variant.
Coding change: c.371G>A on transcript NM_006947.4 (MANE Select); coding-DNA position 371, G replaced by A.
Protein change: p.Arg124His; replaces arginine 124 with histidine.
Molecular consequence: missense variant. On other transcripts: non-coding transcript variant (1).
Genome position (GRCh38, 1-based): chr4:56,474,070, G>A. VCF-style: chr4-56474070-G-A. GRCh37 (hg19) VCF-style: chr4-57340236-G-A.
Other names: c.371G>A (NM_006947.3); c.371G>A, p.Arg124His (NM_001267722.2); short protein forms R124H.
Identifiers: ClinVar variation 2415870 (VCV002415870.7), dbSNP rs745506634, ClinGen allele CA2931054.